The following is an entry in ClinVar:

NM_015650.4(TRAF3IP1):c.853G>A (p.Gly285Arg)

Gene: TRAF3IP1 (TRAF3 interacting protein 1; plus strand). Cytogenetic location: 2q37.3.
Variant type: single nucleotide variant.
Coding change: c.853G>A on transcript NM_015650.4 (MANE Select); coding-DNA position 853, G replaced by A.
Protein change: p.Gly285Arg; replaces glycine 285 with arginine.
Molecular consequence: missense variant.
Genome position (GRCh38, 1-based): chr2:238,329,280, G>A. VCF-style: chr2-238329280-G-A. GRCh37 (hg19) VCF-style: chr2-239237921-G-A.
Other names: c.853G>A, p.Gly285Arg (NM_001139490.1); c.853G>A (NM_015650.3); short protein forms G285R.
Identifiers: ClinVar variation 1486727 (VCV001486727.5), dbSNP rs146786940, ClinGen allele CA2198157.

ClinVar aggregate classification (germline): Uncertain significance. Review status: criteria provided, multiple submitters, no conflicts (2 of 4 stars). 2 submissions from 2 submitters: Uncertain significance (2). Last evaluated 2025-08-20.

Conditions:
Inborn genetic diseases. Identifiers: MedGen C0950123, MeSH D030342.

Allele frequency attached by ClinVar (database versions not stated): gnomAD 0.00001; TOPMed 0.00002; gnomAD exomes 0.00004 and 0.00005; ExAC 0.00005; ESP Exome Variant Server 0.00015.
gnomAD v4.1: 53 of 1,486,750 alleles (0.0036%); highest among the groups gnomAD compares: Non-Finnish European, 0.0033%; no homozygotes.

Submissions (2):

Ambry Genetics
Classification: Uncertain significance for Inborn genetic diseases. Last evaluated: 2025-08-20. Review status: criteria provided, single submitter. Criteria: Ambry Variant Classification Scheme 2023. Collection method: clinical testing. Allele origin: germline.

Labcorp Genetics (formerly Invitae), Labcorp
Classification: Uncertain significance. Last evaluated: 2022-06-05. Review status: criteria provided, single submitter. Criteria: Invitae Variant Classification Sherloc (09022015). Collection method: clinical testing. Allele origin: germline.
Comment: In summary, the available evidence is currently insufficient to determine the role of this variant in disease. Therefore, it has been classified as a Variant of Uncertain Significance. Algorithms developed to predict the effect of missense changes on protein structure and function output the following: SIFT: "Tolerated"; PolyPhen-2: "Possibly Damaging"; Align-GVGD: "Class C0". The arginine amino acid residue is found in multiple mammalian species, which suggests that this missense change does not adversely affect protein function. ClinVar contains an entry for this variant (Variation ID: 1486727). This variant has not been reported in the literature in individuals affected with TRAF3IP1-related conditions. This variant is present in population databases (rs146786940, gnomAD 0.02%). This sequence change replaces glycine, which is neutral and non-polar, with arginine, which is basic and polar, at codon 285 of the TRAF3IP1 protein (p.Gly285Arg).